The following is an entry in ClinVar:

ClinVar aggregate classification (germline): Uncertain significance (1 of 4 stars; one submission).

Conditions:
Hereditary diffuse gastric adenocarcinoma (HDGC). Also called: DIFFUSE GASTRIC AND LOBULAR BREAST CANCER SYNDROME. Identifiers: Orphanet 26106, MedGen C1708349, MONDO:0007648, OMIM 137215.

gnomAD v4.1: 1 of 1,614,004 alleles (0.000062%); highest among the groups gnomAD compares: African/African-American, 0.0013%; no homozygotes.

Submission:

Labcorp Genetics (formerly Invitae), Labcorp
Classification: Uncertain significance for Hereditary diffuse gastric adenocarcinoma. Last evaluated: 2025-01-23. Review status: criteria provided, single submitter. Criteria: Invitae Variant Classification Sherloc (09022015). Collection method: clinical testing. Allele origin: germline.
Comment: This sequence change replaces alanine, which is neutral and non-polar, with threonine, which is neutral and polar, at codon 130 of the CDH1 protein (p.Ala130Thr). This variant is not present in population databases (gnomAD no frequency). This variant has not been reported in the literature in individuals affected with CDH1-related conditions. ClinVar contains an entry for this variant (Variation ID: 1430814). An algorithm developed to predict the effect of missense changes on protein structure and function (PolyPhen-2) suggests that this variant is likely to be tolerated. In summary, the available evidence is currently insufficient to determine the role of this variant in disease. Therefore, it has been classified as a Variant of Uncertain Significance.

NM_004360.5(CDH1):c.388G>A (p.Ala130Thr)

Gene: CDH1 (cadherin 1; plus strand). Cytogenetic location: 16q22.1.
Variant type: single nucleotide variant.
Coding change: c.388G>A on transcript NM_004360.5 (MANE Select); coding-DNA position 388, G replaced by A.
Protein change: p.Ala130Thr; replaces alanine 130 with threonine.
Molecular consequence: missense variant. On other transcripts: 5 prime UTR variant (2).
Genome position (GRCh38, 1-based): chr16:68,808,424, G>A. VCF-style: chr16-68808424-G-A. GRCh37 (hg19) VCF-style: chr16-68842327-G-A.
Other names: c.388G>A, p.Ala130Thr (NM_001317184.2); c.-1228G>A (NM_001317185.2); c.-1432G>A (NM_001317186.2); short protein forms A130T.
Identifiers: ClinVar variation 1430814 (VCV001430814.8), dbSNP rs2152129578, ClinGen allele CA396457518.